The following is an entry in ClinVar:

ClinVar aggregate classification (germline): Benign. Review status: criteria provided, multiple submitters, no conflicts (2 of 4 stars). 6 submissions from 6 submitters: Benign (6). Last evaluated 2026-02-03.

Conditions:
Epilepsy, childhood absence, susceptibility to, 1. Also called: Epilepsy, childhood absence 1. Identifiers: Orphanet 64280, MedGen C1838604, MONDO:0020759, OMIM 600131.
Epilepsy, childhood absence, susceptibility to, 5. Identifiers: Orphanet 64280, MedGen C2677087, MONDO:0012843, OMIM 612269.
Seizure. Also called: Seizures. Identifiers: MedGen C0036572, HP:0001250.

Allele frequency attached by ClinVar (database versions not stated): ESP Exome Variant Server 0.01061; 1000 Genomes Project 30x 0.01218; TOPMed 0.00980; 1000 Genomes Project 0.01098.
gnomAD v4.1: 3,977 of 1,614,124 alleles (0.25%); highest among the groups gnomAD compares: Middle Eastern, 2.7%; 54 homozygotes.

Submissions (6):

Labcorp Genetics (formerly Invitae), Labcorp
Classification: Benign for Epilepsy, childhood absence, susceptibility to, 5; Epilepsy, childhood absence, susceptibility to, 1. Last evaluated: 2026-02-03. Review status: criteria provided, single submitter. Criteria: Invitae Variant Classification Sherloc (09022015). Collection method: clinical testing. Allele origin: germline.

Athena Diagnostics
Classification: Benign. Last evaluated: 2018-11-28. Review status: criteria provided, single submitter. Criteria: Athena Diagnostics Criteria. Collection method: clinical testing. Allele origin: germline.

Ambry Genetics
Classification: Benign for Seizures. Last evaluated: 2016-08-08. Review status: criteria provided, single submitter. Criteria: Ambry Autosomal Dominant and X-Linked criteria (10/2015). Collection method: clinical testing. Allele origin: germline. Observed: 1 variant allele.
Comment: General population or subpopulation frequency is too high to be a pathogenic mutation based on disease/syndrome prevalence and penetrance

GeneDx
Classification: Benign. Last evaluated: 2016-01-26. Review status: criteria provided, single submitter. Criteria: GeneDx Variant Classification (06012015). Collection method: clinical testing. Allele origin: germline. Affected: yes.
Comment: This variant is considered likely benign or benign based on one or more of the following criteria: it is a conservative change, it occurs at a poorly conserved position in the protein, it is predicted to be benign by multiple in silico algorithms, and/or has population frequency not consistent with disease.

Breakthrough Genomics
Classification: Benign. Review status: criteria provided, single submitter. Criteria: ACMG Guidelines, 2015. Collection method: not provided. Allele origin: germline. Inheritance: Autosomal dominant inheritance. Affected: yes.

PreventionGenetics, part of Exact Sciences
Classification: Benign. Review status: criteria provided, single submitter. Criteria: ACMG Guidelines, 2015. Collection method: clinical testing. Allele origin: germline.

Literature cited by the submitters: PubMed 20550555 (cited by Athena Diagnostics).

NM_000814.6(GABRB3):c.1005C>T (p.Gly335=)

Gene: GABRB3 (gamma-aminobutyric acid type A receptor subunit beta3; minus strand). Cytogenetic location: 15q12.
Variant type: single nucleotide variant.
Coding change: c.1005C>T on transcript NM_000814.6 (MANE Select); coding-DNA position 1005, C replaced by T.
Protein change: p.Gly335=; no amino-acid change (glycine 335 retained).
Molecular consequence: synonymous variant.
Genome position (GRCh38, 1-based): chr15:26,561,007, G>A on the plus strand (C>T on the coding strand, the complement: GABRB3 is on the minus strand). VCF-style: chr15-26561007-G-A. GRCh37 (hg19) VCF-style: chr15-26806154-G-A.
Other names: c.750C>T, p.Gly250= (NM_001191320.2, NM_001278631.2); c.792C>T, p.Gly264= (NM_001191321.3); c.1005C>T, p.Gly335= (NM_021912.5).
Identifiers: ClinVar variation 256817 (VCV000256817.16), dbSNP rs74907974, ClinGen allele CA7437329.